The following is an entry in ClinVar:

NM_006172.4(NPPA):c.47C>T (p.Ala16Val)

Genes: NPPA (natriuretic peptide A; minus strand), LOC114827827 (VISTA enhancer hs2123; plus strand). Cytogenetic location: 1p36.22.
Variant type: single nucleotide variant.
Coding change: c.47C>T on transcript NM_006172.4 (MANE Select); coding-DNA position 47, C replaced by T.
Protein change: p.Ala16Val; replaces alanine 16 with valine.
Molecular consequence: missense variant.
Genome position (GRCh38, 1-based): chr1:11,847,638, G>A on the plus strand (C>T on the coding strand, the complement: NPPA is on the minus strand). VCF-style: chr1-11847638-G-A. GRCh37 (hg19) VCF-style: chr1-11907695-G-A.
Other names: short protein forms A16V.
Identifiers: ClinVar variation 3004476 (VCV003004476.3), dbSNP rs367817975, ClinGen allele CA597127.

ClinVar aggregate classification (germline): Uncertain significance (1 of 4 stars; one submission).

Conditions:
Atrial fibrillation, familial, 6 (ATFB6). Identifiers: MedGen C2677294, MONDO:0012816, OMIM 612201.

Allele frequency attached by ClinVar (database versions not stated): gnomAD exomes below 0.00001; ExAC 0.00002; ESP Exome Variant Server 0.00015.
gnomAD v4.1: 3 of 1,614,154 alleles (0.00019%); highest among the groups gnomAD compares: Non-Finnish European, 0.00025%; no homozygotes.

Submission:

Labcorp Genetics (formerly Invitae), Labcorp
Classification: Uncertain significance for Atrial fibrillation, familial, 6. Last evaluated: 2024-05-21. Review status: criteria provided, single submitter. Criteria: Invitae Variant Classification Sherloc (09022015). Collection method: clinical testing. Allele origin: germline.
Comment: This sequence change replaces alanine, which is neutral and non-polar, with valine, which is neutral and non-polar, at codon 16 of the NPPA protein (p.Ala16Val). This variant is present in population databases (rs367817975, gnomAD 0.0009%). This variant has not been reported in the literature in individuals affected with NPPA-related conditions. Algorithms developed to predict the effect of missense changes on protein structure and function output the following: SIFT: "Not Available"; PolyPhen-2: "Not Available"; Align-GVGD: "Not Available". The valine amino acid residue is found in multiple mammalian species, which suggests that this missense change does not adversely affect protein function. In summary, the available evidence is currently insufficient to determine the role of this variant in disease. Therefore, it has been classified as a Variant of Uncertain Significance.